The following is an entry in ClinVar:

ClinVar aggregate classification (germline): Uncertain significance (1 of 4 stars; one submission).

Conditions:
Intellectual developmental disorder, autosomal dominant 52. Also called: Intellectual disability, autosomal dominant 52; Mental retardation, autosomal dominant 52. Identifiers: MedGen C4540478, MONDO:0030918, OMIM 617796.

Submission:

3billion
Classification: Uncertain significance for Intellectual developmental disorder, autosomal dominant 52. Last evaluated: 2025-01-16. Review status: criteria provided, single submitter. Criteria: ACMG Guidelines, 2015. Collection method: clinical testing. Allele origin: germline. Affected: yes.
Comment: The variant is not observed in the gnomAD v4.1.0 dataset. Predicted Consequence/Location: Missense variant In silico tool predictions suggest damaging effect of the variant on gene or gene product [REVEL: 0.80 (>=0.6, sensitivity 0.68 and specificity 0.92)]. Therefore, this variant is classified as VUS according to the recommendation of ACMG/AMP guideline.

NM_018489.3(ASH1L):c.8117A>T (p.Glu2706Val)

Gene: ASH1L (ASH1 like histone lysine methyltransferase; minus strand). Cytogenetic location: 1q22.
Variant type: single nucleotide variant.
Coding change: c.8117A>T on transcript NM_018489.3 (MANE Select); coding-DNA position 8117, A replaced by T.
Protein change: p.Glu2706Val; replaces glutamic acid 2706 with valine.
Molecular consequence: missense variant.
Genome position (GRCh38, 1-based): chr1:155,343,607, T>A on the plus strand (A>T on the coding strand, the complement: ASH1L is on the minus strand). VCF-style: chr1-155343607-T-A. GRCh37 (hg19) VCF-style: chr1-155313398-T-A.
Other names: c.8132A>T, p.Glu2711Val (NM_001366177.2); short protein forms E2706V, E2711V.
Identifiers: ClinVar variation 4072251 (VCV004072251.1).